The following is an entry in ClinVar:

NM_004525.3(LRP2):c.2320+14G>A

Gene: LRP2 (LDL receptor related protein 2; minus strand). Cytogenetic location: 2q31.1.
Variant type: single nucleotide variant.
Coding change: c.2320+14G>A on transcript NM_004525.3 (MANE Select); 14 bases into the intron after coding-DNA position 2320, G replaced by A.
Molecular consequence: intron variant.
Genome position (GRCh38, 1-based): chr2:169,270,890, C>T on the plus strand (G>A on the coding strand, the complement: LRP2 is on the minus strand). VCF-style: chr2-169270890-C-T. GRCh37 (hg19) VCF-style: chr2-170127400-C-T.
Identifiers: ClinVar variation 2130732 (VCV002130732.4), dbSNP rs1243478084, ClinGen allele CA537972047.
Genomic context (GRCh38, chr2:169,270,890, plus strand): 5'-AAGTTGTAAGTATCATTACAATAAACAGGCAAAACACGCATACACACACACACACACACA[C>T]AAACCTTTCTCACCTGTGCCATCAATCTTTTGCTTAAAAATCATGTGTTTTGACATATCT-3'

ClinVar aggregate classification (germline): Uncertain significance (1 of 4 stars; one submission).

gnomAD v4.1: 2 of 1,608,468 alleles (0.00012%); highest among the groups gnomAD compares: Admixed American, 0.0017%; no homozygotes.

Submission:

Labcorp Genetics (formerly Invitae), Labcorp
Classification: Uncertain significance. Last evaluated: 2022-08-16. Review status: criteria provided, single submitter. Criteria: Invitae Variant Classification Sherloc (09022015). Collection method: clinical testing. Allele origin: germline.
Comment: This sequence change falls in intron 16 of the LRP2 gene. It does not directly change the encoded amino acid sequence of the LRP2 protein. The frequency data for this variant in the population databases is considered unreliable, as metrics indicate poor data quality at this position in the gnomAD database. In summary, the available evidence is currently insufficient to determine the role of this variant in disease. Therefore, it has been classified as a Variant of Uncertain Significance. Algorithms developed to predict the effect of sequence changes on RNA splicing suggest that this variant may disrupt the consensus splice site. This variant has not been reported in the literature in individuals affected with LRP2-related conditions.